The following is an entry in ClinVar:

ClinVar aggregate classification (germline): Conflicting classifications of pathogenicity. Review status: criteria provided, conflicting classifications (1 of 4 stars). 6 submissions from 6 submitters: Uncertain significance (2); Likely benign (3). 1 of the submissions does not count toward it. Last evaluated 2026-01-20.

Conditions:
CDH23-related disorder. Also called: CDH23-related condition; CDH23-related disorders.

Allele frequency attached by ClinVar (database versions not stated): gnomAD exomes 0.00006; ExAC 0.00014; gnomAD 0.00015 and 0.00016; 1000 Genomes Project 30x 0.00016; TOPMed 0.00018; 1000 Genomes Project 0.00020.
gnomAD v4.1: 125 of 1,597,060 alleles (0.0078%); highest among the groups gnomAD compares: African/African-American, 0.047%; no homozygotes.

Submissions (6):

Labcorp Genetics (formerly Invitae), Labcorp
Classification: Likely benign. Last evaluated: 2026-01-20. Review status: criteria provided, single submitter. Criteria: Invitae Variant Classification Sherloc (09022015). Collection method: clinical testing. Allele origin: germline.

Blueprint Genetics
Classification: Likely benign. Last evaluated: 2024-07-23. Review status: criteria provided, single submitter. Criteria: ACMG Guidelines, 2015. Collection method: clinical testing. Allele origin: germline.

GeneDx
Classification: Uncertain significance. Last evaluated: 2021-06-25. Review status: criteria provided, single submitter. Criteria: GeneDx Variant Classification Process June 2021. Collection method: clinical testing. Allele origin: germline. Affected: yes.
Comment: Has not been previously published as pathogenic or benign to our knowledge; In-silico analysis, which includes splice predictors and evolutionary conservation, is inconclusive as to whether the variant alters gene splicing. In the absence of RNA/functional studies, the actual effect of this sequence change is unknown.; This variant is associated with the following publications: (PMID: 27535533)

Eurofins Ntd Llc (ga)
Classification: Uncertain significance. Last evaluated: 2017-06-30. Review status: criteria provided, single submitter. Criteria: EGL Classification Definitions 2015. Collection method: clinical testing. Allele origin: germline. Observed: 1 variant allele, 1 heterozygote.

Laboratory for Molecular Medicine, Mass General Brigham Personalized Medicine
Classification: Likely benign. Last evaluated: 2014-07-09. Review status: criteria provided, single submitter. Criteria: LMM Criteria. Collection method: clinical testing. Allele origin: germline. Observed: 2 variant alleles.
Comment: 6050-10C>T in intron 46 of CDH23: This variant is not expected to have clinical significance because it does not cause the splice site sequence to diverge from consensus and is not predicted to impact splicing.

PreventionGenetics, part of Exact Sciences
Classification: Likely benign for CDH23-related condition. Last evaluated: 2024-09-10. Review status: no assertion criteria provided. Collection method: clinical testing. Allele origin: germline. Not counted in ClinVar's aggregate classification.
Comment: This variant is classified as likely benign based on ACMG/AMP sequence variant interpretation guidelines (Richards et al. 2015 PMID: 25741868, with internal and published modifications).

NM_022124.6(CDH23):c.6050-10C>T

Gene: CDH23 (cadherin related 23; plus strand). Cytogenetic location: 10q22.1.
Variant type: single nucleotide variant.
Coding change: c.6050-10C>T on transcript NM_022124.6 (MANE Select); 10 bases into the intron before coding-DNA position 6050, C replaced by T.
Molecular consequence: intron variant.
Genome position (GRCh38, 1-based): chr10:71,791,122, C>T. VCF-style: chr10-71791122-C-T. GRCh37 (hg19) VCF-style: chr10-73550879-C-T.
Identifiers: ClinVar variation 179622 (VCV000179622.20), dbSNP rs560760228, ClinGen allele CA184796.